The following is an entry in ClinVar:

NM_004104.5(FASN):c.2395G>A (p.Gly799Ser)

Gene: FASN (fatty acid synthase; minus strand). Cytogenetic location: 17q25.3.
Variant type: single nucleotide variant.
Coding change: c.2395G>A on transcript NM_004104.5 (MANE Select); coding-DNA position 2395, G replaced by A.
Protein change: p.Gly799Ser; replaces glycine 799 with serine.
Molecular consequence: missense variant.
Genome position (GRCh38, 1-based): chr17:82,088,786, C>T on the plus strand (G>A on the coding strand, the complement: FASN is on the minus strand). VCF-style: chr17-82088786-C-T. GRCh37 (hg19) VCF-style: chr17-80046662-C-T.
Other names: short protein forms G799S.
Identifiers: ClinVar variation 3703260 (VCV003703260.2).

ClinVar aggregate classification (germline): Uncertain significance (1 of 4 stars; one submission).

Conditions:
Epileptic encephalopathy. Identifiers: MedGen C0543888, HP:0200134.

gnomAD v4.1: 30 of 1,612,146 alleles (0.0019%); highest among the groups gnomAD compares: Middle Eastern, 0.017%; no homozygotes.

Submission:

Labcorp Genetics (formerly Invitae), Labcorp
Classification: Uncertain significance for Epileptic encephalopathy. Last evaluated: 2024-02-25. Review status: criteria provided, single submitter. Criteria: Invitae Variant Classification Sherloc (09022015). Collection method: clinical testing. Allele origin: germline.
Comment: This sequence change replaces glycine, which is neutral and non-polar, with serine, which is neutral and polar, at codon 799 of the FASN protein (p.Gly799Ser). This variant is present in population databases (rs375653664, gnomAD 0.01%). This variant has not been reported in the literature in individuals affected with FASN-related conditions. Algorithms developed to predict the effect of missense changes on protein structure and function output the following: SIFT: "Not Available"; PolyPhen-2: "Benign"; Align-GVGD: "Not Available". The serine amino acid residue is found in multiple mammalian species, which suggests that this missense change does not adversely affect protein function. In summary, the available evidence is currently insufficient to determine the role of this variant in disease. Therefore, it has been classified as a Variant of Uncertain Significance.